The following is an entry in ClinVar:

NM_000444.6(PHEX):c.759G>A (p.Met253Ile)

Gene: PHEX (phosphate regulating endopeptidase X-linked; plus strand). Cytogenetic location: Xp22.11.
Variant type: single nucleotide variant.
Coding change: c.759G>A on transcript NM_000444.6 (MANE Select); coding-DNA position 759, G replaced by A.
Protein change: p.Met253Ile; replaces methionine 253 with isoleucine.
Molecular consequence: missense variant.
Genome position (GRCh38, 1-based): chrX:22,094,009, G>A. VCF-style: chrX-22094009-G-A. GRCh37 (hg19) VCF-style: chrX-22112127-G-A.
Other names: M250I; c.759G>A, p.Met253Ile (NM_001282754.2); short protein forms M253I.
Identifiers: ClinVar variation 242724 (VCV000242724.9), dbSNP rs267606946, ClinGen allele CA353715.

ClinVar aggregate classification (germline): Likely pathogenic (1 of 4 stars; one submission).

Submission:

Labcorp Genetics (formerly Invitae), Labcorp
Classification: Likely pathogenic. Last evaluated: 2024-01-16. Review status: criteria provided, single submitter. Criteria: Invitae Variant Classification Sherloc (09022015). Collection method: clinical testing. Allele origin: germline.
Comment: This sequence change replaces methionine, which is neutral and non-polar, with isoleucine, which is neutral and non-polar, at codon 253 of the PHEX protein (p.Met253Ile). This variant is not present in population databases (gnomAD no frequency). This missense change has been observed in individuals with X-linked hypophosphatemic rickets (PMID: 11502829; Invitae). It has also been observed to segregate with disease in related individuals. ClinVar contains an entry for this variant (Variation ID: 242724). Advanced modeling of protein sequence and biophysical properties (such as structural, functional, and spatial information, amino acid conservation, physicochemical variation, residue mobility, and thermodynamic stability) performed at Invitae indicates that this missense variant is expected to disrupt PHEX protein function with a positive predictive value of 80%. In summary, the currently available evidence indicates that the variant is pathogenic, but additional data are needed to prove that conclusively. Therefore, this variant has been classified as Likely Pathogenic.

Literature cited by the submitters: PubMed 11502829.